The following is an entry in ClinVar:

ClinVar aggregate classification (germline): Uncertain significance. Review status: criteria provided, multiple submitters, no conflicts (2 of 4 stars). 3 submissions from 3 submitters: Uncertain significance (3). Last evaluated 2025-12-26.

Conditions:
Inborn genetic diseases. Identifiers: MedGen C0950123, MeSH D030342.

Allele frequency attached by ClinVar (database versions not stated): ExAC 0.00005; gnomAD 0.00005; TOPMed 0.00005; gnomAD exomes 0.00019.
gnomAD v4.1: 273 of 1,613,806 alleles (0.017%); highest among the groups gnomAD compares: Non-Finnish European, 0.023%; no homozygotes.

Submissions (3):

Women's Health and Genetics/Laboratory Corporation of America, LabCorp
Classification: Uncertain significance. Last evaluated: 2025-12-26. Review status: criteria provided, single submitter. Criteria: LabCorp Variant Classification Summary - May 2015. Collection method: clinical testing. Allele origin: germline.
Comment: Variant summary: DCHS1 c.1618T>G (p.Leu540Val) results in a conservative amino acid change in the encoded protein sequence. Algorithms developed to predict the effect of missense changes on protein structure and function all suggest that this variant is likely to be tolerated. The variant allele was found at a frequency of 2.8e-05 in 251076 control chromosomes. The available data on variant occurrences in the general population are insufficient to allow any conclusion about variant significance. To our knowledge, no occurrence of c.1618T>G in individuals affected with DCHS1-related conditions and no experimental evidence demonstrating its impact on protein function have been reported. ClinVar contains an entry for this variant (Variation ID: 2195574). Based on the evidence outlined above, the variant was classified as uncertain significance.

Labcorp Genetics (formerly Invitae), Labcorp
Classification: Uncertain significance. Last evaluated: 2025-12-19. Review status: criteria provided, single submitter. Criteria: Invitae Variant Classification Sherloc (09022015). Collection method: clinical testing. Allele origin: germline.
Comment: This sequence change replaces leucine, which is neutral and non-polar, with valine, which is neutral and non-polar, at codon 540 of the DCHS1 protein (p.Leu540Val). This variant is present in population databases (rs761178595, gnomAD 0.007%). This variant has not been reported in the literature in individuals affected with DCHS1-related conditions. ClinVar contains an entry for this variant (Variation ID: 2195574). Invitae Evidence Modeling of protein sequence and biophysical properties (such as structural, functional, and spatial information, amino acid conservation, physicochemical variation, residue mobility, and thermodynamic stability) indicates that this missense variant is not expected to disrupt DCHS1 protein function with a negative predictive value of 80%. In summary, the available evidence is currently insufficient to determine the role of this variant in disease. Therefore, it has been classified as a Variant of Uncertain Significance.

Ambry Genetics
Classification: Uncertain significance for Inborn genetic diseases. Last evaluated: 2025-11-20. Review status: criteria provided, single submitter. Criteria: Ambry Variant Classification Scheme 2023. Collection method: clinical testing. Allele origin: germline.

NM_003737.4(DCHS1):c.1618T>G (p.Leu540Val)

Gene: DCHS1 (dachsous cadherin-related 1; minus strand). Cytogenetic location: 11p15.4.
Variant type: single nucleotide variant.
Coding change: c.1618T>G on transcript NM_003737.4 (MANE Select); coding-DNA position 1618, T replaced by G.
Protein change: p.Leu540Val; replaces leucine 540 with valine.
Molecular consequence: missense variant.
Genome position (GRCh38, 1-based): chr11:6,639,996, A>C on the plus strand (T>G on the coding strand, the complement: DCHS1 is on the minus strand). VCF-style: chr11-6639996-A-C. GRCh37 (hg19) VCF-style: chr11-6661227-A-C.
Other names: c.1618T>G (NM_003737.2); short protein forms L540V.
Identifiers: ClinVar variation 2195574 (VCV002195574.7), dbSNP rs761178595, ClinGen allele CA5860927.